The following is an entry in ClinVar:

NM_000143.4(FH):c.802A>G (p.Arg268Gly)

Gene: FH (fumarate hydratase; minus strand). Cytogenetic location: 1q43.
Variant type: single nucleotide variant.
Coding change: c.802A>G on transcript NM_000143.4 (MANE Select); coding-DNA position 802, A replaced by G.
Protein change: p.Arg268Gly; replaces arginine 268 with glycine.
Molecular consequence: missense variant.
Genome position (GRCh38, 1-based): chr1:241,506,105, T>C on the plus strand (A>G on the coding strand, the complement: FH is on the minus strand). VCF-style: chr1-241506105-T-C. GRCh37 (hg19) VCF-style: chr1-241669405-T-C.
Other names: c.802A>G (NM_000143.3); short protein forms R268G.
Identifiers: ClinVar variation 1384205 (VCV001384205.6), dbSNP rs2147917678, ClinGen allele CA345438993.

ClinVar aggregate classification (germline): Uncertain significance. Review status: criteria provided, multiple submitters, no conflicts (2 of 4 stars). 2 submissions from 2 submitters: Uncertain significance (2). Last evaluated 2026-08-17.

Conditions:
Hereditary cancer-predisposing syndrome. Also called: Hereditary Cancer Syndrome; Neoplastic Syndromes, Hereditary; Hereditary neoplastic syndrome; Tumor predisposition. Identifiers: Orphanet 140162, MedGen C0027672, MeSH D009386, MONDO:0015356.

Submissions (2):

Ambry Genetics
Classification: Uncertain significance for Hereditary cancer-predisposing syndrome. Last evaluated: 2026-08-17. Review status: criteria provided, single submitter. Criteria: Ambry Variant Classification Scheme 2023. Collection method: clinical testing. Allele origin: germline.
Comment: The p.R268G variant (also known as c.802A>G), located in coding exon 6 of the FH gene, results from an A to G substitution at nucleotide position 802. The arginine at codon 268 is replaced by glycine, an amino acid with dissimilar properties. This amino acid position is highly conserved in available vertebrate species. In addition, this alteration is predicted to be deleterious by in silico analysis. Based on the available evidence, the clinical significance of this variant remains unclear.

Labcorp Genetics (formerly Invitae), Labcorp
Classification: Uncertain significance. Last evaluated: 2025-04-27. Review status: criteria provided, single submitter. Criteria: Invitae Variant Classification Sherloc (09022015). Collection method: clinical testing. Allele origin: germline.
Comment: This sequence change replaces arginine, which is basic and polar, with glycine, which is neutral and non-polar, at codon 268 of the FH protein (p.Arg268Gly). This variant is not present in population databases (gnomAD no frequency). This variant has not been reported in the literature in individuals affected with FH-related conditions. ClinVar contains an entry for this variant (Variation ID: 1384205). Invitae Evidence Modeling of protein sequence and biophysical properties (such as structural, functional, and spatial information, amino acid conservation, physicochemical variation, residue mobility, and thermodynamic stability) has been performed for this missense variant. However, the output from this modeling did not meet the statistical confidence thresholds required to predict the impact of this variant on FH protein function. In summary, the available evidence is currently insufficient to determine the role of this variant in disease. Therefore, it has been classified as a Variant of Uncertain Significance.